The following is an entry in ClinVar:

ClinVar aggregate classification (germline): Uncertain significance. Review status: criteria provided, multiple submitters, no conflicts (2 of 4 stars). 3 submissions from 3 submitters: Uncertain significance (3). Last evaluated 2025-09-08.

Conditions:
Hereditary cancer-predisposing syndrome. Also called: Neoplastic Syndromes, Hereditary; Tumor predisposition; Hereditary Cancer Syndrome; Hereditary neoplastic syndrome. Identifiers: Orphanet 140162, MedGen C0027672, MeSH D009386, MONDO:0015356.
Pheochromocytoma. Also called: MAX-Related Hereditary Paraganglioma-Pheochromocytoma Syndrome. Identifiers: Orphanet 29072, MedGen C0031511, MONDO:0008233, OMIM 171300, HP:0002666.
Pheochromocytoma/paraganglioma syndrome 4. Also called: CAROTID BODY TUMORS AND MULTIPLE EXTRAADRENAL PHEOCHROMOCYTOMAS; PARAGANGLIOMA, FAMILIAL MALIGNANT; PARAGANGLIOMAS, HEREDITARY EXTRAADRENAL; PHEOCHROMOCYTOMA, FAMILIAL EXTRAADRENAL; Paragangliomas 4; SDHB-Related Hereditary Paraganglioma-Pheochromocytoma Syndrome (Paragangliomas 4). Identifiers: Orphanet 29072, MedGen C1861848, MONDO:0007273, OMIM 115310.
Gastrointestinal stromal tumor. Also called: Gastrointestinal stromal tumor, somatic; Gastrointestinal stroma tumor. Identifiers: Orphanet 44890, MedGen C0238198, MeSH D046152, MONDO:0011719, OMIM 606764, HP:0100723.

Allele frequency attached by ClinVar (database versions not stated): gnomAD exomes below 0.00001; ExAC 0.00001.
gnomAD v4.1: 5 of 1,612,556 alleles (0.00031%); highest among the groups gnomAD compares: South Asian, 0.0011%; no homozygotes.

Submissions (3):

Labcorp Genetics (formerly Invitae), Labcorp
Classification: Uncertain significance for Gastrointestinal stromal tumor; Pheochromocytoma/paraganglioma syndrome 4; Pheochromocytoma. Last evaluated: 2025-09-08. Review status: criteria provided, single submitter. Criteria: Invitae Variant Classification Sherloc (09022015). Collection method: clinical testing. Allele origin: germline.
Comment: This sequence change replaces leucine, which is neutral and non-polar, with proline, which is neutral and non-polar, at codon 7 of the SDHB protein (p.Leu7Pro). The frequency data for this variant in the population databases is considered unreliable, as metrics indicate poor data quality at this position in the gnomAD database. This variant has not been reported in the literature in individuals affected with SDHB-related conditions. ClinVar contains an entry for this variant (Variation ID: 1785890). Invitae Evidence Modeling of protein sequence and biophysical properties (such as structural, functional, and spatial information, amino acid conservation, physicochemical variation, residue mobility, and thermodynamic stability) indicates that this missense variant is not expected to disrupt SDHB protein function with a negative predictive value of 95%. In summary, the available evidence is currently insufficient to determine the role of this variant in disease. Therefore, it has been classified as a Variant of Uncertain Significance.

GeneDx
Classification: Uncertain significance. Last evaluated: 2022-12-06. Review status: criteria provided, single submitter. Criteria: GeneDx Variant Classification Process June 2021. Collection method: clinical testing. Allele origin: germline. Affected: yes.
Comment: Not observed at significant frequency in large population cohorts (gnomAD); In silico analysis supports that this missense variant does not alter protein structure/function; Has not been previously published as pathogenic or benign to our knowledge

Ambry Genetics
Classification: Uncertain significance for Hereditary cancer-predisposing syndrome. Last evaluated: 2021-06-08. Review status: criteria provided, single submitter. Criteria: Ambry Variant Classification Scheme 2023. Collection method: clinical testing. Allele origin: germline.
Comment: The p.L7P variant (also known as c.20T>C), located in coding exon 1 of the SDHB gene, results from a T to C substitution at nucleotide position 20. The leucine at codon 7 is replaced by proline, an amino acid with similar properties. This amino acid position is poorly conserved in available vertebrate species. In addition, the in silico prediction for this alteration is inconclusive. Since supporting evidence is limited at this time, the clinical significance of this alteration remains unclear.

NM_003000.3(SDHB):c.20T>C (p.Leu7Pro)

Gene: SDHB (succinate dehydrogenase complex iron sulfur subunit B; minus strand). Cytogenetic location: 1p36.13.
Variant type: single nucleotide variant.
Coding change: c.20T>C on transcript NM_003000.3 (MANE Select); coding-DNA position 20, T replaced by C.
Protein change: p.Leu7Pro; replaces leucine 7 with proline.
Molecular consequence: missense variant.
Genome position (GRCh38, 1-based): chr1:17,054,000, A>G on the plus strand (T>C on the coding strand, the complement: SDHB is on the minus strand). VCF-style: chr1-17054000-A-G. GRCh37 (hg19) VCF-style: chr1-17380495-A-G.
Other names: c.20T>C, p.Leu7Pro (NM_001407361.1); short protein forms L7P.
Identifiers: ClinVar variation 1785890 (VCV001785890.6), dbSNP rs778776844, ClinGen allele CA089543.